The following is an entry in ClinVar:

NM_000059.4(BRCA2):c.7888A>G (p.Lys2630Glu)

Gene: BRCA2 (BRCA2 DNA repair associated; plus strand). Cytogenetic location: 13q13.1.
Variant type: single nucleotide variant.
Coding change: c.7888A>G on transcript NM_000059.4 (MANE Select); coding-DNA position 7888, A replaced by G.
Protein change: p.Lys2630Glu; replaces lysine 2630 with glutamic acid.
Molecular consequence: missense variant.
Genome position (GRCh38, 1-based): chr13:32,362,605, A>G. VCF-style: chr13-32362605-A-G. GRCh37 (hg19) VCF-style: chr13-32936742-A-G.
Other names: short protein forms K2630E.
Identifiers: ClinVar variation 960986 (VCV000960986.10), dbSNP rs1380792392, ClinGen allele CA387747123.
Genomic context (GRCh38, chr13:32,362,605, plus strand): 5'-GTGGATCCAAAGCTTATTTCTAGAATTTGGGTTTATAATCACTATAGATGGATCATATGG[A>G]AACTGGCAGCTATGGAATGTGCCTTTCCTAAGGAATTTGCTAATAGATGCCTAAGCCCAG-3'
Protein context (NP_000050.3, residues 2620-2640): VYNHYRWIIW[Lys2630Glu]LAAMECAFPK

ClinVar aggregate classification (germline): Uncertain significance (1 of 4 stars; one submission).

Conditions:
Hereditary breast ovarian cancer syndrome. Also called: Hereditary breast and ovarian cancer; BRCA1- and BRCA2-Associated Hereditary Breast and Ovarian Cancer; Hereditary breast and/or ovarian cancer syndrome; Hereditary breast and ovarian cancer syndrome; Hereditary breast and ovarian cancer syndrome (HBOC); Breast and ovarian cancer. Identifiers: Orphanet 145, MedGen C0677776, MeSH D061325, MONDO:0003582. Disease mechanism: loss of function.

Submission:

Labcorp Genetics (formerly Invitae), Labcorp
Classification: Uncertain significance for Hereditary breast ovarian cancer syndrome. Last evaluated: 2025-05-04. Review status: criteria provided, single submitter. Criteria: Invitae Variant Classification Sherloc (09022015). Collection method: clinical testing. Allele origin: germline.
Comment: This sequence change replaces lysine, which is basic and polar, with glutamic acid, which is acidic and polar, at codon 2630 of the BRCA2 protein (p.Lys2630Glu). This variant is not present in population databases (gnomAD no frequency). This variant has not been reported in the literature in individuals affected with BRCA2-related conditions. ClinVar contains an entry for this variant (Variation ID: 960986). Invitae Evidence Modeling of protein sequence and biophysical properties (such as structural, functional, and spatial information, amino acid conservation, physicochemical variation, residue mobility, and thermodynamic stability) has been performed for this missense variant. However, the output from this modeling did not meet the statistical confidence thresholds required to predict the impact of this variant on BRCA2 protein function. In summary, the available evidence is currently insufficient to determine the role of this variant in disease. Therefore, it has been classified as a Variant of Uncertain Significance.